The following is an entry in ClinVar:

ClinVar aggregate classification (germline): Pathogenic (1 of 4 stars; one submission).

Allele frequency attached by ClinVar (database versions not stated): ExAC 0.00001; gnomAD 0.00004; TOPMed 0.00004; gnomAD exomes 0.00005.

Submission:

Labcorp Genetics (formerly Invitae), Labcorp
Classification: Pathogenic. Last evaluated: 2023-04-20. Review status: criteria provided, single submitter. Criteria: Invitae Variant Classification Sherloc (09022015). Collection method: clinical testing. Allele origin: germline.
Comment: For these reasons, this variant has been classified as Pathogenic. This variant has not been reported in the literature in individuals affected with TOP3A-related conditions. This variant is present in population databases (rs767999305, gnomAD 0.005%). This sequence change creates a premature translational stop signal (p.Leu374Lysfs*37) in the TOP3A gene. It is expected to result in an absent or disrupted protein product. Loss-of-function variants in TOP3A are known to be pathogenic (PMID: 30057030).

Literature cited by the submitters: PubMed 30057030.

NM_004618.5(TOP3A):c.1120_1121del (p.Leu374fs)

Gene: TOP3A (DNA topoisomerase III alpha; minus strand). Cytogenetic location: 17p11.2.
Variant type: Deletion.
Coding change: c.1120_1121del on transcript NM_004618.5 (MANE Select); coding-DNA positions 1120 to 1121, 2 bases deleted (TT; older notation c.1120_1121delTT).
Protein change: p.Leu374fs; shifts the reading frame from leucine 374.
Molecular consequence: frameshift variant.
Genome position (GRCh38, 1-based): chr17:18,292,805-18,292,806, AA deleted on the plus strand (TT on the coding strand, the reverse complement: TOP3A is on the minus strand). VCF-style (leftmost placement, unchanged base first): chr17-18292804-TAA-T. GRCh37 (hg19) VCF-style: chr17-18196118-TAA-T.
Other names: c.835_836del, p.Leu279fs (NM_001320759.2); short protein forms L279fs, L374fs.
Identifiers: ClinVar variation 2716366 (VCV002716366.1), dbSNP rs767999305, ClinGen allele CA8430000.
Genomic context (GRCh38, chr17:18,292,804, plus strand): 5'-CTGGGCAAAGGCCCCCCAGCGTGGATCGGGGGTCTGCTGTTCCACCAACACCGTCAGGTT[TAA>T]GTCTCTGGGAAAAATGTTTGTTTCTGTTCGGGGATAGCTGATGTACCTAAAACCAAGGCA-3'